The following is an entry in ClinVar:

NM_005529.7(HSPG2):c.12393T>A (p.Cys4131Ter)

Gene: HSPG2 (heparan sulfate proteoglycan 2; minus strand). Cytogenetic location: 1p36.12.
Variant type: single nucleotide variant.
Coding change: c.12393T>A on transcript NM_005529.7 (MANE Select); coding-DNA position 12393, T replaced by A.
Protein change: p.Cys4131Ter; replaces cysteine 4131 with a stop codon.
Molecular consequence: nonsense.
Genome position (GRCh38, 1-based): chr1:21,828,271, A>T on the plus strand (T>A on the coding strand, the complement: HSPG2 is on the minus strand). VCF-style: chr1-21828271-A-T. GRCh37 (hg19) VCF-style: chr1-22154764-A-T.
Other names: c.12396T>A, p.Cys4132Ter (NM_001291860.2); short protein forms C4131*, C4132*.
Identifiers: ClinVar variation 1879079 (VCV001879079.29), dbSNP rs146048924, ClinGen allele CA338900118.
Genomic context (GRCh38, chr1:21,828,271, plus strand): 5'-CACCTGTGCCCCTCCCCTCCGGTGCCCTGGGCAGGCTTTCCCACCTTTGAATCCATCTCG[A>T]CACAGGCACTGGAACTCATACTCGCCAGCGGGCATGCACGTGGCACCATGTTGGCAAGGC-3'

ClinVar aggregate classification (germline): Pathogenic (1 of 4 stars; one submission).

Submission:

CeGaT Center for Human Genetics Tuebingen
Classification: Pathogenic. Last evaluated: 2022-11-01. Review status: criteria provided, single submitter. Criteria: CeGaT Center For Human Genetics Tuebingen Variant Classification Criteria Version 2. Collection method: clinical testing. Allele origin: germline. Affected: yes. Observed: 1 variant allele.
Comment: HSPG2: PS2, PVS1:Strong, PM2, PM3, PP4